The following is an entry in ClinVar:

ClinVar aggregate classification (germline): Uncertain significance (1 of 4 stars; one submission).

gnomAD v4.1: 2 of 1,612,674 alleles (0.00012%); highest among the groups gnomAD compares: Non-Finnish European, 0.00017%; no homozygotes.

Submission:

CeGaT Center for Human Genetics Tuebingen
Classification: Uncertain significance. Last evaluated: 2026-05-01. Review status: criteria provided, single submitter. Criteria: CeGaT Center For Human Genetics Tuebingen Variant Classification Criteria Version 2. Collection method: clinical testing. Allele origin: germline. Affected: yes. Observed: 1 variant allele.
Comment: CCDC78: PM2

NM_001378030.1(CCDC78):c.1302-1G>A

Gene: CCDC78 (coiled-coil domain containing 78; minus strand). Cytogenetic location: 16p13.3.
Variant type: single nucleotide variant.
Coding change: c.1302-1G>A on transcript NM_001378030.1 (MANE Select); the canonical splice acceptor site of the intron before coding-DNA position 1302, G replaced by A.
Molecular consequence: splice acceptor variant.
Genome position (GRCh38, 1-based): chr16:722,790, C>T on the plus strand (G>A on the coding strand, the complement: CCDC78 is on the minus strand). VCF-style: chr16-722790-C-T. GRCh37 (hg19) VCF-style: chr16-772790-C-T.
Other names: c.735-1G>A (NM_001378033.1); c.1122-1G>A (NM_001378031.1); c.1298-1G>A (NM_001031737.3).
Identifiers: ClinVar variation 4874053 (VCV004874053.2).